The following is an entry in ClinVar:

ClinVar aggregate classification (germline): Conflicting classifications of pathogenicity. Review status: criteria provided, conflicting classifications (1 of 4 stars). 9 submissions from 9 submitters: Uncertain significance (1); Benign (3); Likely benign (4). 1 of the submissions does not count toward it. Last evaluated 2026-03-01.

Conditions:
CHD7-related disorder. Also called: CHD7-related condition.
CHARGE syndrome (CHARGE). Also called: Hittner Hirsch Kreh syndrome; CHARGE ASSOCIATION--COLOBOMA, HEART ANOMALY, CHOANAL ATRESIA, RETARDATION, GENITAL AND EAR ANOMALIES; Coloboma, heart anomaly, choanal atresia, retardation, genital and ear anomalies; CHARGE association; Hall-Hittner syndrome. Identifiers: Orphanet 138, MedGen C0265354, MONDO:0008965.
Hypogonadotropic hypogonadism 5 with or without anosmia (KAL5). Also called: CHD7-Related GnRH Deficiency (Kallmann Syndrome 5); HYPOGONADOTROPIC HYPOGONADISM 5 WITH ANOSMIA; HYPOGONADOTROPHIC HYPOGONADISM 5 WITHOUT ANOSMIA. Identifiers: Orphanet 478, MedGen C3552553, MONDO:0012880, OMIM 612370. Disease mechanism: loss of function.
Inborn genetic diseases. Identifiers: MedGen C0950123, MeSH D030342.

Allele frequency attached by ClinVar (database versions not stated): gnomAD exomes 0.00007; TOPMed 0.00007; ExAC 0.00008; ESP Exome Variant Server 0.00008; gnomAD 0.00010 and 0.00011; 1000 Genomes Project 30x 0.00016; 1000 Genomes Project 0.00020.
gnomAD v4.1: 112 of 1,613,734 alleles (0.0069%); highest among the groups gnomAD compares: Non-Finnish European, 0.0069%; no homozygotes.

Submissions (9):

CeGaT Center for Human Genetics Tuebingen
Classification: Likely benign. Last evaluated: 2026-03-01. Review status: criteria provided, single submitter. Criteria: CeGaT Center For Human Genetics Tuebingen Variant Classification Criteria Version 2. Collection method: clinical testing. Allele origin: germline. Affected: yes. Observed: 3 variant alleles.
Comment: CHD7: BS2

Labcorp Genetics (formerly Invitae), Labcorp
Classification: Benign for CHARGE syndrome. Last evaluated: 2026-01-18. Review status: criteria provided, single submitter. Criteria: Invitae Variant Classification Sherloc (09022015). Collection method: clinical testing. Allele origin: germline.

Laboratory of Genetics, Children's Clinical University Hospital Latvia
Classification: Benign. Last evaluated: 2025-02-16. Review status: criteria provided, single submitter. Criteria: ACMG Guidelines, 2015. Collection method: clinical testing. Allele origin: germline. Affected: yes.

Ambry Genetics
Classification: Likely benign for Inborn genetic diseases. Last evaluated: 2024-09-13. Review status: criteria provided, single submitter. Criteria: Ambry Variant Classification Scheme 2023. Collection method: clinical testing. Allele origin: germline.

Blueprint Genetics
Classification: Benign. Last evaluated: 2024-08-29. Review status: criteria provided, single submitter. Criteria: ACMG Guidelines, 2015. Collection method: clinical testing. Allele origin: germline.

Fulgent Genetics
Classification: Likely benign for CHD7-related CHARGE syndrome; Hypogonadotropic hypogonadism 5 with or without anosmia. Last evaluated: 2024-03-13. Review status: criteria provided, single submitter. Criteria: ACMG Guidelines, 2015. Collection method: clinical testing. Allele origin: germline.

Revvity Omics, Revvity
Classification: Uncertain significance. Last evaluated: 2022-01-31. Review status: criteria provided, single submitter. Criteria: ACMG Guidelines, 2015. Collection method: clinical testing. Allele origin: germline.

GeneDx
Classification: Likely benign. Last evaluated: 2019-06-28. Review status: criteria provided, single submitter. Criteria: GeneDx Variant Classification Process June 2021. Collection method: clinical testing. Allele origin: germline. Affected: yes.
Comment: In silico analysis, which includes protein predictors and evolutionary conservation, supports a deleterious effect; This variant is associated with the following publications: (PMID: 25077900, 30487145)

PreventionGenetics, part of Exact Sciences
Classification: Likely benign for CHD7-related condition. Last evaluated: 2023-10-18. Review status: no assertion criteria provided. Collection method: clinical testing. Allele origin: germline. Not counted in ClinVar's aggregate classification.
Comment: This variant is classified as likely benign based on ACMG/AMP sequence variant interpretation guidelines (Richards et al. 2015 PMID: 25741868, with internal and published modifications).

NM_017780.4(CHD7):c.2273G>A (p.Arg758His)

Gene: CHD7 (chromodomain helicase DNA binding protein 7; plus strand). Cytogenetic location: 8q12.2.
Variant type: single nucleotide variant.
Coding change: c.2273G>A on transcript NM_017780.4 (MANE Select); coding-DNA position 2273, G replaced by A.
Protein change: p.Arg758His; replaces arginine 758 with histidine.
Molecular consequence: missense variant. On other transcripts: intron variant (1).
Genome position (GRCh38, 1-based): chr8:60,800,422, G>A. VCF-style: chr8-60800422-G-A. GRCh37 (hg19) VCF-style: chr8-61712981-G-A.
Other names: c.2273G>A (LRG_176t1); c.1716+19372G>A (NM_001316690.1); short protein forms R758H.
Identifiers: ClinVar variation 431960 (VCV000431960.34), dbSNP rs202208393, ClinGen allele CA4759667.